The following is an entry in ClinVar:

NM_004958.4(MTOR):c.3005G>A (p.Arg1002Gln)

Gene: MTOR (mechanistic target of rapamycin kinase; minus strand). Cytogenetic location: 1p36.22.
Variant type: single nucleotide variant.
Coding change: c.3005G>A on transcript NM_004958.4 (MANE Select); coding-DNA position 3005, G replaced by A.
Protein change: p.Arg1002Gln; replaces arginine 1002 with glutamine.
Molecular consequence: missense variant.
Genome position (GRCh38, 1-based): chr1:11,228,693, C>T on the plus strand (G>A on the coding strand, the complement: MTOR is on the minus strand). VCF-style: chr1-11228693-C-T. GRCh37 (hg19) VCF-style: chr1-11288750-C-T.
Other names: short protein forms R1002Q.
Identifiers: ClinVar variation 862043 (VCV000862043.11), dbSNP rs1397910040, ClinGen allele CA338378681.

ClinVar aggregate classification (germline): Uncertain significance. Review status: criteria provided, multiple submitters, no conflicts (2 of 4 stars). 2 submissions from 2 submitters: Uncertain significance (2). Last evaluated 2025-08-29.

Allele frequency attached by ClinVar (database versions not stated): gnomAD exomes below 0.00001; gnomAD 0.00001; TOPMed 0.00001.
gnomAD v4.1: 2 of 1,613,920 alleles (0.00012%); highest among the groups gnomAD compares: Non-Finnish European, 0.00017%; no homozygotes.

Submissions (2):

Labcorp Genetics (formerly Invitae), Labcorp
Classification: Uncertain significance. Last evaluated: 2025-08-29. Review status: criteria provided, single submitter. Criteria: Invitae Variant Classification Sherloc (09022015). Collection method: clinical testing. Allele origin: germline.
Comment: This sequence change replaces arginine, which is basic and polar, with glutamine, which is neutral and polar, at codon 1002 of the MTOR protein (p.Arg1002Gln). This variant is not present in population databases (gnomAD no frequency). This variant has not been reported in the literature in individuals affected with MTOR-related conditions. ClinVar contains an entry for this variant (Variation ID: 862043). Invitae Evidence Modeling of protein sequence and biophysical properties (such as structural, functional, and spatial information, amino acid conservation, physicochemical variation, residue mobility, and thermodynamic stability) indicates that this missense variant is not expected to disrupt MTOR protein function with a negative predictive value of 95%. In summary, the available evidence is currently insufficient to determine the role of this variant in disease. Therefore, it has been classified as a Variant of Uncertain Significance.

GeneDx
Classification: Uncertain significance. Last evaluated: 2019-05-03. Review status: criteria provided, single submitter. Criteria: GeneDx Variant Classification Process June 2021. Collection method: clinical testing. Allele origin: germline. Affected: yes.
Comment: Not observed in large population cohorts (Lek et al., 2016); In silico analysis, which includes protein predictors and evolutionary conservation, supports a deleterious effect; Has not been previously published as pathogenic or benign to our knowledge